The following is an entry in ClinVar:

NM_006514.4(SCN10A):c.4553T>A (p.Val1518Asp)

Gene: SCN10A (sodium voltage-gated channel alpha subunit 10; minus strand). Cytogenetic location: 3p22.2.
Variant type: single nucleotide variant.
Coding change: c.4553T>A on transcript NM_006514.4 (MANE Select); coding-DNA position 4553, T replaced by A.
Protein change: p.Val1518Asp; replaces valine 1518 with aspartic acid.
Molecular consequence: missense variant.
Genome position (GRCh38, 1-based): chr3:38,701,943, A>T on the plus strand (T>A on the coding strand, the complement: SCN10A is on the minus strand). VCF-style: chr3-38701943-A-T. GRCh37 (hg19) VCF-style: chr3-38743434-A-T.
Other names: c.4550T>A, p.Val1517Asp (NM_001293306.2); c.4259T>A, p.Val1420Asp (NM_001293307.2); short protein forms V1517D, V1420D, V1518D.
Identifiers: ClinVar variation 4743302 (VCV004743302.1).
Genomic context (GRCh38, chr3:38,701,943, plus strand): 5'-CCATTTGTGAAGTAGTACTGCCTCAAAGCGAACATCTTCATGACACATTCGCCTGTGAAG[A>T]CGGCCACAAAGAACTGGTTGATTTTGCCCAGAATTTTCGTCTTTTCTTCACTTTGGTCAT-3'
Protein context (NP_006505.4, residues 1508-1528): LGKINQFFVA[Val1518Asp]FTGECVMKMF

ClinVar aggregate classification (germline): Uncertain significance (1 of 4 stars; one submission).

Conditions:
Brugada syndrome. Also called: Sudden unexpected nocturnal death syndrome; Sudden Unexplained Death Syndrome; Sudden Unexplained Nocturnal Death Syndrome (SUNDS); Sudden unexplained nocturnal death syndrome. Identifiers: Orphanet 130, MedGen C1142166, MONDO:0015263.

Submission:

Labcorp Genetics (formerly Invitae), Labcorp
Classification: Uncertain significance for Brugada syndrome. Last evaluated: 2025-11-18. Review status: criteria provided, single submitter. Criteria: Invitae Variant Classification Sherloc (09022015). Collection method: clinical testing. Allele origin: germline.
Comment: This sequence change replaces valine, which is neutral and non-polar, with aspartic acid, which is acidic and polar, at codon 1518 of the SCN10A protein (p.Val1518Asp). This variant is not present in population databases (gnomAD no frequency). This variant has not been reported in the literature in individuals affected with SCN10A-related conditions. Invitae Evidence Modeling of protein sequence and biophysical properties (such as structural, functional, and spatial information, amino acid conservation, physicochemical variation, residue mobility, and thermodynamic stability) indicates that this missense variant is expected to disrupt SCN10A protein function with a positive predictive value of 80%. In summary, the available evidence is currently insufficient to determine the role of this variant in disease. Therefore, it has been classified as a Variant of Uncertain Significance.